The following is an entry in ClinVar:

NM_001166108.2(PALLD):c.1965-12841G>A

Gene: PALLD (palladin, cytoskeletal associated protein; plus strand). Cytogenetic location: 4q32.3.
Variant type: single nucleotide variant.
Coding change: c.1965-12841G>A on transcript NM_001166108.2 (MANE Select); 12841 bases into the intron before coding-DNA position 1965, G replaced by A.
Molecular consequence: intron variant. On other transcripts: missense variant (1).
Genome position (GRCh38, 1-based): chr4:168,878,081, G>A. VCF-style: chr4-168878081-G-A. GRCh37 (hg19) VCF-style: chr4-169799232-G-A.
Other names: c.190G>A (NM_001166110.1); c.190G>A, p.Ala64Thr (NM_001166110.2); c.1965-12841G>A (NM_016081.4); c.819-12841G>A (NM_001166109.2); c.-157-12841G>A (NM_001367570.1, NM_001367568.1, NM_001367567.1 and 1 more transcripts); short protein forms A64T.
Identifiers: ClinVar variation 1062579 (VCV001062579.10), dbSNP rs987780445, ClinGen allele CA110515932.

ClinVar aggregate classification (germline): Uncertain significance. Review status: criteria provided, multiple submitters, no conflicts (2 of 4 stars). 2 submissions from 2 submitters: Uncertain significance (2). Last evaluated 2025-02-14.

Conditions:
Pancreatic adenocarcinoma. Identifiers: MedGen C0281361, MONDO:0006047, HP:0006725.

Allele frequency attached by ClinVar (database versions not stated): TOPMed 0.00001.

Submissions (2):

Ambry Genetics
Classification: Uncertain significance. Last evaluated: 2025-02-14. Review status: criteria provided, single submitter. Criteria: Ambry Variant Classification Scheme 2023. Collection method: clinical testing. Allele origin: germline.
Comment: The p.A64T variant (also known as c.190G>A), located in coding exon 1 of the PALLD gene, results from a G to A substitution at nucleotide position 190. The alanine at codon 64 is replaced by threonine, an amino acid with similar properties. This amino acid position is conserved. In addition, this alteration is predicted to be tolerated by in silico analysis. Based on the available evidence, the clinical significance of this variant remains unclear.

Labcorp Genetics (formerly Invitae), Labcorp
Classification: Uncertain significance for Pancreatic adenocarcinoma. Last evaluated: 2022-11-08. Review status: criteria provided, single submitter. Criteria: Invitae Variant Classification Sherloc (09022015). Collection method: clinical testing. Allele origin: germline.
Comment: In summary, the available evidence is currently insufficient to determine the role of this variant in disease. Therefore, it has been classified as a Variant of Uncertain Significance. Algorithms developed to predict the effect of missense changes on protein structure and function (SIFT, PolyPhen-2, Align-GVGD) all suggest that this variant is likely to be tolerated. ClinVar contains an entry for this variant (Variation ID: 1062579). This variant has not been reported in the literature in individuals affected with PALLD-related conditions. This variant is not present in population databases (gnomAD no frequency). This sequence change replaces alanine, which is neutral and non-polar, with threonine, which is neutral and polar, at codon 64 of the PALLD protein (p.Ala64Thr).